The following is an entry in ClinVar:

ClinVar aggregate classification (germline): Benign/Likely benign. Review status: criteria provided, multiple submitters, no conflicts (2 of 4 stars). 13 submissions from 13 submitters: Benign (2); Likely benign (8). 3 of the submissions do not count toward it. Last evaluated 2026-01-15.

Conditions:
Familial cancer of breast. Also called: BREAST CANCER, FAMILIAL; Hereditary breast cancer; hereditary breast carcinoma. Identifiers: Orphanet 227535, MedGen C0346153, MONDO:0016419, OMIM 114480. Disease mechanism: loss of function.
ATM-related disorder. Also called: ATM-related disorders; ATM-related condition.
Breast and/or ovarian cancer. Identifiers: MedGen CN221562.
Hereditary cancer-predisposing syndrome. Also called: Hereditary Cancer Syndrome; Neoplastic Syndromes, Hereditary; Tumor predisposition; Hereditary neoplastic syndrome. Identifiers: Orphanet 140162, MedGen C0027672, MeSH D009386, MONDO:0015356.
Ataxia-telangiectasia syndrome (AT). Also called: Ataxia-telangiectasia, complementation group D; AT, COMPLEMENTATION GROUP C; ATAXIA-TELANGIECTASIA, COMPLEMENTATION GROUP A; ATAXIA-TELANGIECTASIA, FRESNO VARIANT; Ataxia-telangiectasia; LOUIS-BAR SYNDROME. Identifiers: Orphanet 100, MedGen C0004135, MONDO:0008840, OMIM 208900.
Malignant tumor of breast. Also called: Cancer breast; Malignant breast neoplasm. Identifiers: MedGen C0006142, MONDO:0007254. Disease mechanism: loss of function.

Allele frequency attached by ClinVar (database versions not stated): gnomAD 0.00001; ExAC 0.00002; TOPMed 0.00002; gnomAD exomes 0.00003 and 0.00008.
gnomAD v4.1: 118 of 1,611,870 alleles (0.0073%); highest among the groups gnomAD compares: Admixed American, 0.01%; no homozygotes.

Submissions (13):

Labcorp Genetics (formerly Invitae), Labcorp
Classification: Likely benign for Ataxia-telangiectasia syndrome. Last evaluated: 2026-01-15. Review status: criteria provided, single submitter. Criteria: Invitae Variant Classification Sherloc (09022015). Collection method: clinical testing. Allele origin: germline.

Center for Genomic Medicine, Rigshospitalet, Copenhagen University Hospital
Classification: Likely benign. Last evaluated: 2025-12-29. Review status: criteria provided, single submitter. Criteria: ACMG Guidelines, 2015. Collection method: clinical testing. Allele origin: germline.

Quest Diagnostics Nichols Institute San Juan Capistrano
Classification: Likely benign. Last evaluated: 2025-10-06. Review status: criteria provided, single submitter. Criteria: Quest Diagnostics criteria. Collection method: clinical testing. Allele origin: unknown.

Myriad Genetics, Inc.
Classification: Benign for Familial cancer of breast. Last evaluated: 2024-04-19. Review status: criteria provided, single submitter. Criteria: Myriad Autosomal Dominant, Autosomal Recessive and X-Linked Classification Criteria (2023). Collection method: clinical testing. Allele origin: unknown.
Comment: This variant is considered benign. This variant is a silent/synonymous amino acid change and it is not expected to impact splicing.

CHEO Genetics Diagnostic Laboratory, Children's Hospital of Eastern Ontario
Classification: Likely benign for Breast and/or ovarian cancer. Last evaluated: 2023-03-13. Review status: criteria provided, single submitter. Criteria: ACMG Guidelines, 2015. Collection method: clinical testing. Allele origin: germline.

ARUP Laboratories, Molecular Genetics and Genomics, ARUP Laboratories
Classification: Likely benign. Last evaluated: 2021-08-06. Review status: criteria provided, single submitter. Criteria: ARUP Molecular Germline Variant Investigation Process 2021. Collection method: clinical testing. Allele origin: germline.

Sema4
Classification: Likely benign for Hereditary cancer-predisposing syndrome. Last evaluated: 2021-02-26. Review status: criteria provided, single submitter. Criteria: Sema4 Curation Guidelines. Collection method: curation. Allele origin: germline.

Color Diagnostics, LLC DBA Color Health
Classification: Likely benign for Hereditary cancer-predisposing syndrome. Last evaluated: 2015-10-20. Review status: criteria provided, single submitter. Criteria: ACMG Guidelines, 2015. Collection method: clinical testing. Allele origin: germline.

GeneDx
Classification: Benign. Last evaluated: 2015-03-03. Review status: criteria provided, single submitter. Criteria: GeneDx Variant Classification Process June 2021. Collection method: clinical testing. Allele origin: germline. Affected: yes.

Ambry Genetics
Classification: Likely benign for Hereditary cancer-predisposing syndrome. Last evaluated: 2014-10-14. Review status: criteria provided, single submitter. Criteria: Ambry Variant Classification Scheme 2023. Collection method: clinical testing. Allele origin: germline.

PreventionGenetics, part of Exact Sciences
Classification: Likely benign for ATM-related condition. Last evaluated: 2023-05-31. Review status: no assertion criteria provided. Collection method: clinical testing. Allele origin: germline. Not counted in ClinVar's aggregate classification.
Comment: This variant is classified as likely benign based on ACMG/AMP sequence variant interpretation guidelines (Richards et al. 2015 PMID: 25741868, with internal and published modifications).

True Health Diagnostics
Classification: Likely benign for Hereditary cancer-predisposing syndrome. Last evaluated: 2017-10-10. Review status: no assertion criteria provided. Collection method: clinical testing. Allele origin: germline. Not counted in ClinVar's aggregate classification.

Department of Pathology and Laboratory Medicine, Sinai Health System
Classification: Likely benign for Malignant tumor of breast. Review status: no assertion criteria provided. Collection method: clinical testing. Allele origin: unknown. Affected: yes. Study: The Canadian Open Genetics Repository (COGR). Not counted in ClinVar's aggregate classification.
Comment: The ATM p.Ile124= variant was not identified in the literature nor was it identified in the COGR, Cosmic, or LOVD 3.0 databases. The variant was identified in dbSNP (ID: rs773495195) as With Likely benign allele, and in ClinVar (classified as likely benign by Ambry Genetics, Invitae, Color Genomics). The variant was identified in control databases in 8 of 245932 chromosomes at a frequency of 0.000033 (Genome Aggregation Database Feb 27, 2017). It was observed in the following populations: Latino in 1 of 33538 chromosomes (freq: 0.00003), European in 7 of 111506 chromosomes (freq: 0.0001); it was not observed in the African, Other, Ashkenazi Jewish, East Asian, Finnish, or South Asian populations. The p.Ile124Ile variant is not expected to have clinical significance because it does not result in a change of amino acid and is not located in a known consensus splice site. In addition, in silico or computational prediction software programs (SpliceSiteFinder, MaxEntScan, NNSPLICE, GeneSplicer, HumanSpliceFinder) do not predict a difference in splicing. In summary, based on the above information, the clinical significance of this variant cannot be determined with certainty at this time although we would lean towards a more benign role for this variant. This variant is classified as likely benign.

NM_000051.4(ATM):c.372C>A (p.Ile124=)

Gene: ATM (ATM serine/threonine kinase; plus strand). Cytogenetic location: 11q22.3.
Variant type: single nucleotide variant.
Coding change: c.372C>A on transcript NM_000051.4 (MANE Select); coding-DNA position 372, C replaced by A.
Protein change: p.Ile124=; no amino-acid change (isoleucine 124 retained).
Molecular consequence: synonymous variant.
Genome position (GRCh38, 1-based): chr11:108,235,710, C>A. VCF-style: chr11-108235710-C-A. GRCh37 (hg19) VCF-style: chr11-108106437-C-A.
Other names: c.372C>A, p.Ile124= (NM_001351834.2).
Identifiers: ClinVar variation 185849 (VCV000185849.33), dbSNP rs773495195, ClinGen allele CA193147.